The following is an entry in ClinVar:

ClinVar aggregate classification (germline): Uncertain significance (1 of 4 stars; one submission).

Allele frequency attached by ClinVar (database versions not stated): gnomAD exomes below 0.00001; gnomAD 0.00001; TOPMed 0.00001.
gnomAD v4.1: 4 of 1,614,074 alleles (0.00025%); highest among the groups gnomAD compares: Non-Finnish European, 0.00034%; no homozygotes.

Submission:

Ambry Genetics
Classification: Uncertain significance. Last evaluated: 2025-07-03. Review status: criteria provided, single submitter. Criteria: Ambry Variant Classification Scheme 2023. Collection method: clinical testing. Allele origin: germline.
Comment: The p.M28L variant (also known as c.82A>C), located in coding exon 1 of the PKP4 gene, results from an A to C substitution at nucleotide position 82. The methionine at codon 28 is replaced by leucine, an amino acid with highly similar properties. This amino acid position is conserved. In addition, the in silico prediction for this alteration is inconclusive. Since supporting evidence is limited at this time, the clinical significance of this alteration remains unclear.

NM_003628.6(PKP4):c.82A>C (p.Met28Leu)

Gene: PKP4 (plakophilin 4; plus strand). Cytogenetic location: 2q24.1.
Variant type: single nucleotide variant.
Coding change: c.82A>C on transcript NM_003628.6 (MANE Select); coding-DNA position 82, A replaced by C.
Protein change: p.Met28Leu; replaces methionine 28 with leucine.
Molecular consequence: missense variant. On other transcripts: 5 prime UTR variant (1).
Genome position (GRCh38, 1-based): chr2:158,533,266, A>C. VCF-style: chr2-158533266-A-C. GRCh37 (hg19) VCF-style: chr2-159389778-A-C.
Other names: c.82A>C, p.Met28Leu (NM_001005476.4, NM_001304969.3, NM_001304971.2 and 9 more transcripts); c.-868A>C (NM_001304970.3); short protein forms M28L.
Identifiers: ClinVar variation 2561558 (VCV002561558.3), dbSNP rs1302422396, ClinGen allele CA349198492.